The following is an entry in ClinVar:

NM_001039591.3(USP9X):c.5586A>G (p.Lys1862=)

Gene: USP9X (ubiquitin specific peptidase 9 X-linked; plus strand). Cytogenetic location: Xp11.4.
Variant type: single nucleotide variant.
Coding change: c.5586A>G on transcript NM_001039591.3 (MANE Select); coding-DNA position 5586, A replaced by G.
Protein change: p.Lys1862=; no amino-acid change (lysine 1862 retained).
Molecular consequence: synonymous variant.
Genome position (GRCh38, 1-based): chrX:41,216,153, A>G. VCF-style: chrX-41216153-A-G. GRCh37 (hg19) VCF-style: chrX-41075406-A-G.
Other names: c.5586A>G, p.Lys1862= (NM_001039590.3); c.5601A>G, p.Lys1867= (NM_001410748.1, NM_001410749.1, NM_001437534.1).
Identifiers: ClinVar variation 5041504 (VCV005041504.1).
Genomic context (GRCh38, chrX:41,216,153, plus strand): 5'-AGAGAGTCAGTTGATACAACAGAGTGAGCAGTCTGAAAGTGAGACAGCAGGAAGCACAAA[A>G]TACAGACTTGTGGGTGTGCTCGTACACAGTGGTCAAGCGAGTGGGGGGCATTATTATTCT-3'
Protein context (NP_001034680.2, residues 1852-1872): QSESETAGST[Lys1862=]YRLVGVLVHS

ClinVar aggregate classification (germline): Likely benign (1 of 4 stars; one submission).

gnomAD v4.1: 1 of 1,209,847 alleles (0.000083%); highest among the groups gnomAD compares: Non-Finnish European, 0.00011%; no homozygotes.

Submission:

CeGaT Center for Human Genetics Tuebingen
Classification: Likely benign. Last evaluated: 2026-09-01. Review status: criteria provided, single submitter. Criteria: CeGaT Center For Human Genetics Tuebingen Variant Classification Criteria Version 2. Collection method: clinical testing. Allele origin: germline. Affected: yes. Observed: 1 variant allele.
Comment: USP9X: BP4, BP7